The following is an entry in ClinVar:

NM_002458.3(MUC5B):c.9345G>A (p.Thr3115=)

Genes: MUC5B (mucin 5B, oligomeric mucus/gel-forming; plus strand), MUC5B-AS1 (MUC5B antisense RNA 1; minus strand). Cytogenetic location: 11p15.5.
Variant type: single nucleotide variant.
Coding change: c.9345G>A on transcript NM_002458.3 (MANE Select); coding-DNA position 9345, G replaced by A.
Protein change: p.Thr3115=; no amino-acid change (threonine 3115 retained).
Molecular consequence: synonymous variant.
Genome position (GRCh38, 1-based): chr11:1,246,225, G>A. VCF-style: chr11-1246225-G-A. GRCh37 (hg19) VCF-style: chr11-1267455-G-A.
Identifiers: ClinVar variation 3387857 (VCV003387857.14).

ClinVar aggregate classification (germline): Likely benign (1 of 4 stars; one submission).

gnomAD v4.1: 59 of 1,606,508 alleles (0.0037%); highest among the groups gnomAD compares: African/African-American, 0.028%; 1 homozygote.

Submission:

CeGaT Center for Human Genetics Tuebingen
Classification: Likely benign. Last evaluated: 2024-11-01. Review status: criteria provided, single submitter. Criteria: CeGaT Center For Human Genetics Tuebingen Variant Classification Criteria Version 2. Collection method: clinical testing. Allele origin: germline. Affected: yes. Observed: 1 variant allele.
Comment: MUC5B: BP4, BP7